The following is an entry in ClinVar:

ClinVar aggregate classification (germline): Conflicting classifications of pathogenicity. Review status: criteria provided, conflicting classifications (1 of 4 stars). 4 submissions from 4 submitters: Uncertain significance (1); Benign (1); Likely benign (2). Last evaluated 2024-06-11.

Conditions:
Aortic aneurysm, familial thoracic 4 (AAT4). Also called: AORTIC ANEURYSM/AORTIC DISSECTION AND PATENT DUCTUS ARTERIOSUS. Identifiers: MedGen C1851504, MONDO:0007568, OMIM 132900.

Allele frequency attached by ClinVar (database versions not stated): ExAC 0.00007; gnomAD exomes 0.00008 and 0.00017; gnomAD 0.00010 and 0.00011; TOPMed 0.00011.
gnomAD v4.1: 258 of 1,612,626 alleles (0.016%); highest among the groups gnomAD compares: Non-Finnish European, 0.021%; no homozygotes.

Submissions (4):

GeneDx
Classification: Likely benign. Last evaluated: 2024-06-11. Review status: criteria provided, single submitter. Criteria: GeneDx Variant Classification Process June 2021. Collection method: clinical testing. Allele origin: germline. Affected: yes.
Comment: See Variant Classification Assertion Criteria.

Women's Health and Genetics/Laboratory Corporation of America, LabCorp
Classification: Benign. Last evaluated: 2024-05-26. Review status: criteria provided, single submitter. Criteria: LabCorp Variant Classification Summary - May 2015. Collection method: clinical testing. Allele origin: germline.

Blueprint Genetics
Classification: Likely benign. Last evaluated: 2024-01-08. Review status: criteria provided, single submitter. Criteria: ACMG Guidelines, 2015. Collection method: clinical testing. Allele origin: germline.

Genomic Diagnostic Laboratory, Division of Genomic Diagnostics, Children's Hospital of Philadelphia
Classification: Uncertain significance for Aortic aneurysm, familial thoracic 4. Last evaluated: 2015-10-30. Review status: criteria provided, single submitter. Criteria: DGD Variant Analysis Guidelines. Collection method: clinical testing. Allele origin: unknown.

NM_002474.3(MYH11):c.-17G>C

Gene: MYH11 (myosin heavy chain 11; minus strand). Cytogenetic location: 16p13.11.
Variant type: single nucleotide variant.
Coding change: c.-17G>C on transcript NM_002474.3 (MANE Select); 17 bases upstream of the start codon, G replaced by C.
Molecular consequence: 5 prime UTR variant.
Genome position (GRCh38, 1-based): chr16:15,838,269, C>G on the plus strand (G>C on the coding strand, the complement: MYH11 is on the minus strand). VCF-style: chr16-15838269-C-G. GRCh37 (hg19) VCF-style: chr16-15932126-C-G.
Other names: c.-17G>C (NM_001040113.2, NM_001040114.2, NM_022844.3).
Identifiers: ClinVar variation 252513 (VCV000252513.9), dbSNP rs767563168, ClinGen allele CA7923142.